The following is an entry in ClinVar:

NM_004385.5(VCAN):c.2134T>A (p.Phe712Ile)

Gene: VCAN (versican; plus strand). Cytogenetic location: 5q14.3.
Variant type: single nucleotide variant.
Coding change: c.2134T>A on transcript NM_004385.5 (MANE Select); coding-DNA position 2134, T replaced by A.
Protein change: p.Phe712Ile; replaces phenylalanine 712 with isoleucine.
Molecular consequence: missense variant. On other transcripts: intron variant (2).
Genome position (GRCh38, 1-based): chr5:83,520,440, T>A. VCF-style: chr5-83520440-T-A. GRCh37 (hg19) VCF-style: chr5-82816259-T-A.
Other names: c.2134T>A, p.Phe712Ile (NM_001164098.2); c.1042+8044T>A (NM_001164097.2, NM_001126336.3); short protein forms F712I.
Identifiers: ClinVar variation 1905661 (VCV001905661.5), dbSNP rs377493488, ClinGen allele CA3332794.

ClinVar aggregate classification (germline): Uncertain significance (1 of 4 stars; one submission).

gnomAD v4.1: 35 of 1,613,888 alleles (0.0022%); highest among the groups gnomAD compares: Non-Finnish European, 0.003%; no homozygotes.

Submission:

Labcorp Genetics (formerly Invitae), Labcorp
Classification: Uncertain significance. Last evaluated: 2023-08-08. Review status: criteria provided, single submitter. Criteria: Invitae Variant Classification Sherloc (09022015). Collection method: clinical testing. Allele origin: germline.
Comment: In summary, the available evidence is currently insufficient to determine the role of this variant in disease. Therefore, it has been classified as a Variant of Uncertain Significance. An algorithm developed to predict the effect of missense changes on protein structure and function (PolyPhen-2) suggests that this variant is likely to be disruptive. ClinVar contains an entry for this variant (Variation ID: 1905661). This variant has not been reported in the literature in individuals affected with VCAN-related conditions. This variant is present in population databases (rs377493488, gnomAD 0.002%). This sequence change replaces phenylalanine, which is neutral and non-polar, with isoleucine, which is neutral and non-polar, at codon 712 of the VCAN protein (p.Phe712Ile).